The following is an entry in ClinVar:

NM_001370466.1(NOD2):c.1729A>G (p.Ile577Val)

Gene: NOD2 (nucleotide binding oligomerization domain containing 2; plus strand). Cytogenetic location: 16q12.1.
Variant type: single nucleotide variant.
Coding change: c.1729A>G on transcript NM_001370466.1 (MANE Select); coding-DNA position 1729, A replaced by G.
Protein change: p.Ile577Val; replaces isoleucine 577 with valine.
Molecular consequence: missense variant. On other transcripts: non-coding transcript variant (1).
Genome position (GRCh38, 1-based): chr16:50,711,721, A>G. VCF-style: chr16-50711721-A-G. GRCh37 (hg19) VCF-style: chr16-50745632-A-G.
Other names: c.1729A>G, p.Ile577Val (NM_001293557.2); c.1810A>G, p.Ile604Val (NM_022162.3); short protein forms I577V, I604V.
Identifiers: ClinVar variation 2628884 (VCV002628884.4), dbSNP rs572217630, ClinGen allele CA281263387.

ClinVar aggregate classification (germline): Uncertain significance. Review status: criteria provided, multiple submitters, no conflicts (2 of 4 stars). 2 submissions from 2 submitters: Uncertain significance (2). Last evaluated 2026-01-04.

Conditions:
Regional enteritis. Also called: Enteritis, Granulomatous. Identifiers: MedGen C0678202, MeSH D003424.
Blau syndrome (BLAUS). Also called: ARTHROCUTANEOUVEAL GRANULOMATOSIS; GRANULOMATOSIS, FAMILIAL JUVENILE SYSTEMIC; GRANULOMATOSIS, FAMILIAL, BLAU TYPE; GRANULOMATOUS INFLAMMATORY ARTHRITIS, DERMATITIS, AND UVEITIS, FAMILIAL; JABS SYNDROME. Identifiers: Orphanet 90340, MedGen C5201146, MONDO:0008523, OMIM 186580.
NOD2-related disorder. Also called: NOD2-related condition.

Allele frequency attached by ClinVar (database versions not stated): TOPMed below 0.00001; gnomAD 0.00001; gnomAD exomes 0.00002.
gnomAD v4.1: 28 of 1,613,978 alleles (0.0017%); highest among the groups gnomAD compares: Non-Finnish European, 0.0023%; no homozygotes.

Submissions (2):

Labcorp Genetics (formerly Invitae), Labcorp
Classification: Uncertain significance for Regional enteritis; Blau syndrome. Last evaluated: 2026-01-04. Review status: criteria provided, single submitter. Criteria: Invitae Variant Classification Sherloc (09022015). Collection method: clinical testing. Allele origin: germline.
Comment: This sequence change replaces isoleucine, which is neutral and non-polar, with valine, which is neutral and non-polar, at codon 604 of the NOD2 protein (p.Ile604Val). This variant is not present in population databases (gnomAD no frequency). This variant has not been reported in the literature in individuals affected with NOD2-related conditions. ClinVar contains an entry for this variant (Variation ID: 2628884). Invitae Evidence Modeling of protein sequence and biophysical properties (such as structural, functional, and spatial information, amino acid conservation, physicochemical variation, residue mobility, and thermodynamic stability) indicates that this missense variant is not expected to disrupt NOD2 protein function with a negative predictive value of 95%. In summary, the available evidence is currently insufficient to determine the role of this variant in disease. Therefore, it has been classified as a Variant of Uncertain Significance.

PreventionGenetics, part of Exact Sciences
Classification: Uncertain significance for NOD2-related condition. Last evaluated: 2023-07-12. Review status: criteria provided, single submitter. Criteria: ACMG Guidelines, 2015. Collection method: clinical testing. Allele origin: germline.
Comment: The NOD2 c.1810A>G variant is predicted to result in the amino acid substitution p.Ile604Val. To our knowledge, this variant has not been reported in the literature or in a large population database, indicating this variant is rare. At this time, the clinical significance of this variant is uncertain due to the absence of conclusive functional and genetic evidence.